The following is an entry in ClinVar:

NM_005535.3(IL12RB1):c.1825G>A (p.Glu609Lys)

Gene: IL12RB1 (interleukin 12 receptor subunit beta 1; minus strand). Cytogenetic location: 19p13.11.
Variant type: single nucleotide variant.
Coding change: c.1825G>A on transcript NM_005535.3 (MANE Select); coding-DNA position 1825, G replaced by A.
Protein change: p.Glu609Lys; replaces glutamic acid 609 with lysine.
Molecular consequence: missense variant.
Genome position (GRCh38, 1-based): chr19:18,060,052, C>T on the plus strand (G>A on the coding strand, the complement: IL12RB1 is on the minus strand). VCF-style: chr19-18060052-C-T. GRCh37 (hg19) VCF-style: chr19-18170862-C-T.
Other names: c.1825G>A, p.Glu609Lys (NM_001290023.2); c.1945G>A, p.Glu649Lys (NM_001290024.2); short protein forms E649K, E609K.
Identifiers: ClinVar variation 1521649 (VCV001521649.8), dbSNP rs1471672536, ClinGen allele CA404775463.

ClinVar aggregate classification (germline): Uncertain significance (1 of 4 stars; one submission).

Conditions:
Mendelian susceptibility to mycobacterial diseases due to complete IL12RB1 deficiency. Also called: Immunodeficiency 30; IL12RB1 DEFICIENCY. Identifiers: Orphanet 319552, MedGen C4013949, MONDO:0013955, OMIM 614891.

Allele frequency attached by ClinVar (database versions not stated): gnomAD exomes below 0.00001 and 0.00001.
gnomAD v4.1: 5 of 1,606,858 alleles (0.00031%); highest among the groups gnomAD compares: Admixed American, 0.0034%; no homozygotes.

Submission:

Labcorp Genetics (formerly Invitae), Labcorp
Classification: Uncertain significance for Mendelian susceptibility to mycobacterial diseases due to complete IL12RB1 deficiency. Last evaluated: 2023-08-17. Review status: criteria provided, single submitter. Criteria: Invitae Variant Classification Sherloc (09022015). Collection method: clinical testing. Allele origin: germline.
Comment: This sequence change replaces glutamic acid, which is acidic and polar, with lysine, which is basic and polar, at codon 609 of the IL12RB1 protein (p.Glu609Lys). This variant is present in population databases (no rsID available, gnomAD 0.003%). This variant has not been reported in the literature in individuals affected with IL12RB1-related conditions. An algorithm developed to predict the effect of missense changes on protein structure and function (PolyPhen-2) suggests that this variant is likely to be disruptive. In summary, the available evidence is currently insufficient to determine the role of this variant in disease. Therefore, it has been classified as a Variant of Uncertain Significance.